The following is an entry in ClinVar:

NM_003690.5(PRKRA):c.380C>T (p.Pro127Leu)

Gene: PRKRA (protein activator of interferon induced protein kinase EIF2AK2; minus strand). Cytogenetic location: 2q31.2.
Variant type: single nucleotide variant.
Coding change: c.380C>T on transcript NM_003690.5 (MANE Select); coding-DNA position 380, C replaced by T.
Protein change: p.Pro127Leu; replaces proline 127 with leucine.
Molecular consequence: missense variant.
Genome position (GRCh38, 1-based): chr2:178,444,438, G>A on the plus strand (C>T on the coding strand, the complement: PRKRA is on the minus strand). VCF-style: chr2-178444438-G-A. GRCh37 (hg19) VCF-style: chr2-179309165-G-A.
Other names: c.347C>T, p.Pro116Leu (NM_001139517.2); c.305C>T, p.Pro102Leu (NM_001139518.2); c.41C>T, p.Pro14Leu (NM_001316362.2); short protein forms P127L, P102L, P116L, P14L.
Identifiers: ClinVar variation 332630 (VCV000332630.6), dbSNP rs75862065, ClinGen allele CA1983939.

ClinVar aggregate classification (germline): Benign. Review status: criteria provided, multiple submitters, no conflicts (2 of 4 stars). 2 submissions from 2 submitters: Benign (2). Last evaluated 2018-01-12.

Conditions:
Dystonia 16 (DYT16). Also called: DYT-PRKRA. Identifiers: Orphanet 210571, MedGen C2677567, MONDO:0012789, OMIM 612067.

Allele frequency attached by ClinVar (database versions not stated): gnomAD exomes 0.06348; gnomAD 0.00005; ExAC 0.09795.

Submissions (2):

Illumina Laboratory Services, Illumina
Classification: Benign for Dystonia 16. Last evaluated: 2018-01-12. Review status: criteria provided, single submitter. Criteria: ICSL Variant Classification Criteria 13 December 2019. Collection method: clinical testing. Allele origin: germline.
Comment: This variant was observed in the ICSL laboratory as part of a predisposition screen in an ostensibly healthy population. It had not been previously curated by ICSL or reported in the Human Gene Mutation Database (HGMD: prior to June 1st, 2018), and was therefore a candidate for classification through an automated scoring system. Utilizing variant allele frequency, disease prevalence and penetrance estimates, and inheritance mode, an automated score was calculated to assess if this variant is too frequent to cause the disease. Based on the score and internal cut-off values, a variant classified as benign is not then subjected to further curation. The score for this variant resulted in a classification of benign for this disease.

Breakthrough Genomics
Classification: Benign. Review status: criteria provided, single submitter. Criteria: ACMG Guidelines, 2015. Collection method: not provided. Allele origin: germline. Inheritance: Autosomal recessive inheritance. Affected: yes.